The following is an entry in ClinVar:

NM_025137.4(SPG11):c.796C>T (p.Gln266Ter)

Gene: SPG11 (SPG11 vesicle trafficking associated, spatacsin; minus strand). Cytogenetic location: 15q21.1.
Variant type: single nucleotide variant.
Coding change: c.796C>T on transcript NM_025137.4 (MANE Select); coding-DNA position 796, C replaced by T.
Protein change: p.Gln266Ter; replaces glutamine 266 with a stop codon.
Molecular consequence: nonsense.
Genome position (GRCh38, 1-based): chr15:44,657,168, G>A on the plus strand (C>T on the coding strand, the complement: SPG11 is on the minus strand). VCF-style: chr15-44657168-G-A. GRCh37 (hg19) VCF-style: chr15-44949366-G-A.
Other names: c.796C>T, p.Gln266Ter (NM_001160227.2); short protein forms Q266*.
Identifiers: ClinVar variation 432638 (VCV000432638.10), dbSNP rs1234882277, ClinGen allele CA392237268.

ClinVar aggregate classification (germline): Pathogenic. Review status: criteria provided, multiple submitters, no conflicts (2 of 4 stars). 3 submissions from 3 submitters: Pathogenic (3). Last evaluated 2024-02-24.

Conditions:
Hereditary spastic paraplegia 11. Also called: Spastic paraplegia, mental retardation and thin corpus callosum; Spastic Paraplegia 11; Nakamura Osame syndrome; Autosomal recessive hereditary spastic paraplegia, mental impairment, and thin corpus callosum; SPASTIC PARAPLEGIA, AUTOSOMAL RECESSIVE, COMPLICATED, WITH THIN CORPUS CALLOSUM; SPASTIC PARAPLEGIA, AUTOSOMAL RECESSIVE, WITH MENTAL IMPAIRMENT AND THIN CORPUS CALLOSUM. Identifiers: Orphanet 2822, MedGen C1858479, MONDO:0011445, OMIM 604360.

Allele frequency attached by ClinVar (database versions not stated): gnomAD exomes below 0.00001; gnomAD 0.00001; TOPMed 0.00001.
gnomAD v4.1: 4 of 1,614,088 alleles (0.00025%); highest among the groups gnomAD compares: Non-Finnish European, 0.00034%; no homozygotes.

Submissions (3):

Labcorp Genetics (formerly Invitae), Labcorp
Classification: Pathogenic for Hereditary spastic paraplegia 11. Last evaluated: 2024-02-24. Review status: criteria provided, single submitter. Criteria: Invitae Variant Classification Sherloc (09022015). Collection method: clinical testing. Allele origin: germline.
Comment: This sequence change creates a premature translational stop signal (p.Gln266*) in the SPG11 gene. It is expected to result in an absent or disrupted protein product. Loss-of-function variants in SPG11 are known to be pathogenic (PMID: 19105190, 20110243, 22154821, 26556829). This variant is present in population databases (no rsID available, gnomAD 0.0009%). This variant has not been reported in the literature in individuals affected with SPG11-related conditions. ClinVar contains an entry for this variant (Variation ID: 432638). Algorithms developed to predict the effect of sequence changes on RNA splicing suggest that this variant may disrupt the consensus splice site. For these reasons, this variant has been classified as Pathogenic.

GeneDx
Classification: Pathogenic. Last evaluated: 2017-08-15. Review status: criteria provided, single submitter. Criteria: GeneDx Variant Classification (06012015). Collection method: clinical testing. Allele origin: germline. Affected: yes.
Comment: A variant that is likely pathogenic has been identified in the SPG11 gene. The Q266X variant has not been published as a pathogenic variant, nor has it been reported as a benign variant to our knowledge. The Q266X nonsense variant is predicted to cause loss of normal protein function either through protein truncation or nonsense-mediated mRNA decay. Furthermore, the Q266X variant is not observed in large population cohorts (Lek et al., 2016; 1000 Genomes Consortium et al., 2015; Exome Variant Server). Therefore, this variant is likely pathogenic; however, the possibility that it is benign cannot be excluded.

Genome-Nilou Lab
Classification: Pathogenic for Hereditary spastic paraplegia 11. Review status: criteria provided, single submitter. Criteria: ACMG Guidelines, 2015. Collection method: clinical testing. Allele origin: germline.

Literature cited by the submitters: PubMed 19105190 (cited by Labcorp Genetics (formerly Invitae), Labcorp); PubMed 20110243 (cited by Labcorp Genetics (formerly Invitae), Labcorp); PubMed 22154821 (cited by Labcorp Genetics (formerly Invitae), Labcorp); PubMed 26556829 (cited by Labcorp Genetics (formerly Invitae), Labcorp).